The following is an entry in ClinVar:

NM_006846.4(SPINK5):c.475-2A>G

Gene: SPINK5 (serine peptidase inhibitor Kazal type 5; plus strand). Cytogenetic location: 5q32.
Variant type: single nucleotide variant.
Coding change: c.475-2A>G on transcript NM_006846.4 (MANE Select); the canonical splice acceptor site of the intron before coding-DNA position 475, A replaced by G.
Molecular consequence: splice acceptor variant.
Genome position (GRCh38, 1-based): chr5:148,089,492, A>G. VCF-style: chr5-148089492-A-G. GRCh37 (hg19) VCF-style: chr5-147469055-A-G.
Other names: c.475-2A>G (NM_001127698.2, NM_001127699.2).
Identifiers: ClinVar variation 4995723 (VCV004995723.1).

ClinVar aggregate classification (germline): Pathogenic (1 of 4 stars; one submission).

Conditions:
SPINK5-related disorder. Also called: SPINK5-related condition.

Submission:

PreventionGenetics, part of Exact Sciences
Classification: Pathogenic for SPINK5-related condition. Last evaluated: 2026-04-24. Review status: criteria provided, single submitter. Criteria: ACMG Guidelines, 2015. Collection method: clinical testing. Allele origin: germline.
Comment: The SPINK5 c.475-2A>G variant is predicted to disrupt the AG splice acceptor site and interfere with normal splicing. This variant has been reported in the compound heterozygous state in an individual with Netherton syndrome (Sprecher et al. 2001. PubMed ID: 11511292). This variant has not been reported in a large population database (gnomAD), indicating this variant is rare. Variants that disrupt the consensus splice acceptor site in SPINK5 are expected to be pathogenic. This variant is interpreted as pathogenic.